The following is an entry in ClinVar:

NM_001128840.3(CACNA1D):c.220C>G (p.Pro74Ala)

Gene: CACNA1D (calcium voltage-gated channel subunit alpha1 D; plus strand). Cytogenetic location: 3p21.1.
Variant type: single nucleotide variant.
Coding change: c.220C>G on transcript NM_001128840.3 (MANE Select); coding-DNA position 220, C replaced by G.
Protein change: p.Pro74Ala; replaces proline 74 with alanine.
Molecular consequence: missense variant.
Genome position (GRCh38, 1-based): chr3:53,497,304, C>G. VCF-style: chr3-53497304-C-G. GRCh37 (hg19) VCF-style: chr3-53531331-C-G.
Other names: c.220C>G, p.Pro74Ala (NM_000720.4, NM_001128839.3); short protein forms P74A.
Identifiers: ClinVar variation 2499250 (VCV002499250.2), dbSNP rs2471509725, ClinGen allele CA353381998.

ClinVar aggregate classification (germline): Uncertain significance (1 of 4 stars; one submission).

Submission:

GeneDx
Classification: Uncertain significance. Last evaluated: 2026-01-14. Review status: criteria provided, single submitter. Criteria: GeneDx Variant Classification Process June 2021. Collection method: clinical testing. Allele origin: germline.
Comment: Not observed at significant frequency in large population cohorts (gnomAD); In silico analysis suggests that this missense variant does not alter protein structure/function; Has not been previously published as pathogenic or benign to our knowledge